The following is an entry in ClinVar:

NM_001386140.1(MTTP):c.1636A>G (p.Ile546Val)

Gene: MTTP (microsomal triglyceride transfer protein; plus strand). Cytogenetic location: 4q23.
Variant type: single nucleotide variant.
Coding change: c.1636A>G on transcript NM_001386140.1 (MANE Select); coding-DNA position 1636, A replaced by G.
Protein change: p.Ile546Val; replaces isoleucine 546 with valine.
Molecular consequence: missense variant.
Genome position (GRCh38, 1-based): chr4:99,608,844, A>G. VCF-style: chr4-99608844-A-G. GRCh37 (hg19) VCF-style: chr4-100530001-A-G.
Other names: c.1636A>G, p.Ile546Val (NM_000253.4); c.1387A>G, p.Ile463Val (NM_001300785.2); c.1636A>G (NM_000253.3); short protein forms I463V, I546V.
Identifiers: ClinVar variation 1020417 (VCV001020417.4), dbSNP rs200992175, ClinGen allele CA3022147.

ClinVar aggregate classification (germline): Uncertain significance. Review status: criteria provided, multiple submitters, no conflicts (2 of 4 stars). 3 submissions from 3 submitters: Uncertain significance (2). 1 of the submissions does not count toward it. Last evaluated 2022-11-01.

Conditions:
Abetalipoproteinaemia (ABL). Also called: Abetalipoproteinemia; Abetalipoproteinemia neuropathy; Apolipoprotein B deficiency; Congenital betalipoprotein deficiency syndrome; MTP DEFICIENCY. Identifiers: Orphanet 14, MedGen C0000744, MONDO:0008692, OMIM 200100, HP:0008181.
Metabolic syndrome X (AOMS1). Also called: Abdominal obesity-metabolic syndrome 1. Identifiers: MedGen C4552048, MONDO:0011565, OMIM 605552.

Allele frequency attached by ClinVar (database versions not stated): gnomAD 0.00001; TOPMed 0.00001; ExAC 0.00002; gnomAD exomes 0.00002 and 0.00003.
gnomAD v4.1: 27 of 1,614,040 alleles (0.0017%); highest among the groups gnomAD compares: East Asian, 0.0022%; no homozygotes.

Submissions (3):

Labcorp Genetics (formerly Invitae), Labcorp
Classification: Uncertain significance. Last evaluated: 2022-11-01. Review status: criteria provided, single submitter. Criteria: Invitae Variant Classification Sherloc (09022015). Collection method: clinical testing. Allele origin: germline.
Comment: This sequence change replaces isoleucine, which is neutral and non-polar, with valine, which is neutral and non-polar, at codon 546 of the MTTP protein (p.Ile546Val). This variant is present in population databases (rs200992175, gnomAD 0.006%). This variant has not been reported in the literature in individuals affected with MTTP-related conditions. ClinVar contains an entry for this variant (Variation ID: 1020417). Advanced modeling of protein sequence and biophysical properties (such as structural, functional, and spatial information, amino acid conservation, physicochemical variation, residue mobility, and thermodynamic stability) performed at Invitae indicates that this missense variant is not expected to disrupt MTTP protein function. In summary, the available evidence is currently insufficient to determine the role of this variant in disease. Therefore, it has been classified as a Variant of Uncertain Significance.

Fulgent Genetics
Classification: Uncertain significance for Abetalipoproteinaemia; Metabolic syndrome X. Last evaluated: 2021-08-05. Review status: criteria provided, single submitter. Criteria: ACMG Guidelines, 2015. Collection method: clinical testing. Allele origin: unknown.

Natera, Inc.
Classification: Uncertain significance for Abetalipoproteinemia. Last evaluated: 2020-02-13. Review status: no assertion criteria provided. Collection method: clinical testing. Allele origin: germline. Not counted in ClinVar's aggregate classification.